The following is an entry in ClinVar:

NM_183381.3(RNF13):c.606+8C>T

Gene: RNF13 (ring finger protein 13; plus strand). Cytogenetic location: 3q25.1.
Variant type: single nucleotide variant.
Coding change: c.606+8C>T on transcript NM_183381.3 (MANE Select); 8 bases into the intron after coding-DNA position 606, C replaced by T.
Molecular consequence: intron variant.
Genome position (GRCh38, 1-based): chr3:149,912,091, C>T. VCF-style: chr3-149912091-C-T. GRCh37 (hg19) VCF-style: chr3-149629878-C-T.
Other names: c.606+8C>T (NM_007282.4, NM_001378286.1, NM_001378285.1); c.249+8C>T (NM_183383.2, NM_001378288.1, NM_001378289.1 and 2 more transcripts); c.213+8C>T (NM_001378291.1).
Identifiers: ClinVar variation 1663131 (VCV001663131.32), dbSNP rs375591711, ClinGen allele CA2663034.

ClinVar aggregate classification (germline): Benign. Review status: criteria provided, multiple submitters, no conflicts (2 of 4 stars). 2 submissions from 2 submitters: Benign (2). Last evaluated 2025-09-27.

Allele frequency attached by ClinVar (database versions not stated): TOPMed 0.00003; gnomAD 0.00004 and 0.00011; ESP Exome Variant Server 0.00015; gnomAD exomes 0.00049; ExAC 0.00052; 1000 Genomes Project 30x 0.00062; 1000 Genomes Project 0.00080.
gnomAD v4.1: 279 of 1,349,786 alleles (0.021%); highest among the groups gnomAD compares: South Asian, 0.28%; 3 homozygotes.

Submissions (2):

Labcorp Genetics (formerly Invitae), Labcorp
Classification: Benign. Last evaluated: 2025-09-27. Review status: criteria provided, single submitter. Criteria: Invitae Variant Classification Sherloc (09022015). Collection method: clinical testing. Allele origin: germline.

CeGaT Center for Human Genetics Tuebingen
Classification: Benign. Last evaluated: 2022-05-01. Review status: criteria provided, single submitter. Criteria: CeGaT Center For Human Genetics Tuebingen Variant Classification Criteria Version 2. Collection method: clinical testing. Allele origin: germline. Affected: yes. Observed: 1 variant allele.
Comment: RNF13: BS1, BS2